The following is an entry in ClinVar:

NM_015072.5(TTLL5):c.3263C>T (p.Pro1088Leu)

Gene: TTLL5 (tubulin tyrosine ligase like 5; plus strand). Cytogenetic location: 14q24.3.
Variant type: single nucleotide variant.
Coding change: c.3263C>T on transcript NM_015072.5 (MANE Select); coding-DNA position 3263, C replaced by T.
Protein change: p.Pro1088Leu; replaces proline 1088 with leucine.
Molecular consequence: missense variant.
Genome position (GRCh38, 1-based): chr14:75,820,098, C>T. VCF-style: chr14-75820098-C-T. GRCh37 (hg19) VCF-style: chr14-76286441-C-T.
Other names: c.3263C>T (NM_015072.4); short protein forms P1088L.
Identifiers: ClinVar variation 1429362 (VCV001429362.8), dbSNP rs767195442, ClinGen allele CA7279964.

ClinVar aggregate classification (germline): Uncertain significance. Review status: criteria provided, multiple submitters, no conflicts (2 of 4 stars). 2 submissions from 2 submitters: Uncertain significance (2). Last evaluated 2025-12-31.

Conditions:
TTLL5-related disorder. Also called: TTLL5-related condition.
Cone-rod dystrophy 19 (CORD19). Identifiers: Orphanet 1872, MedGen C4014501, MONDO:0014372, OMIM 615860.

Allele frequency attached by ClinVar (database versions not stated): gnomAD exomes 0.00001 and 0.00002; ExAC 0.00002; gnomAD 0.00004; TOPMed 0.00005.
gnomAD v4.1: 38 of 1,608,994 alleles (0.0024%); highest among the groups gnomAD compares: African/African-American, 0.0054%; no homozygotes.

Submissions (2):

PreventionGenetics, part of Exact Sciences
Classification: Uncertain significance for TTLL5-related condition. Last evaluated: 2025-12-31. Review status: criteria provided, single submitter. Criteria: ACMG Guidelines, 2015. Collection method: clinical testing. Allele origin: germline.
Comment: The TTLL5 c.3263C>T variant is predicted to result in the amino acid substitution p.Pro1088Leu. To our knowledge, this variant has not been reported in the literature. This variant is reported in 0.0034% of alleles in individuals of South Asian descent in gnomAD. At this time, the clinical significance of this variant is uncertain due to the absence of conclusive functional and genetic evidence.

Labcorp Genetics (formerly Invitae), Labcorp
Classification: Uncertain significance. Last evaluated: 2024-11-11. Review status: criteria provided, single submitter. Criteria: Invitae Variant Classification Sherloc (09022015). Collection method: clinical testing. Allele origin: germline.
Comment: This sequence change replaces proline, which is neutral and non-polar, with leucine, which is neutral and non-polar, at codon 1088 of the TTLL5 protein (p.Pro1088Leu). This variant is present in population databases (rs767195442, gnomAD 0.003%). This variant has not been reported in the literature in individuals affected with TTLL5-related conditions. ClinVar contains an entry for this variant (Variation ID: 1429362). Invitae Evidence Modeling of protein sequence and biophysical properties (such as structural, functional, and spatial information, amino acid conservation, physicochemical variation, residue mobility, and thermodynamic stability) indicates that this missense variant is not expected to disrupt TTLL5 protein function with a negative predictive value of 80%. In summary, the available evidence is currently insufficient to determine the role of this variant in disease. Therefore, it has been classified as a Variant of Uncertain Significance.